The following is an entry in ClinVar:

NM_152387.4(KCTD18):c.889G>T (p.Val297Leu)

Gene: KCTD18 (potassium channel tetramerization domain containing 18; minus strand). Cytogenetic location: 2q33.1.
Variant type: single nucleotide variant.
Coding change: c.889G>T on transcript NM_152387.4 (MANE Select); coding-DNA position 889, G replaced by T.
Protein change: p.Val297Leu; replaces valine 297 with leucine.
Molecular consequence: missense variant.
Genome position (GRCh38, 1-based): chr2:200,490,492, C>A on the plus strand (G>T on the coding strand, the complement: KCTD18 is on the minus strand). VCF-style: chr2-200490492-C-A. GRCh37 (hg19) VCF-style: chr2-201355215-C-A.
Other names: NC_000002.11:g.201355215C>A; c.889G>T, p.Val297Leu (NM_001321547.2); c.262G>T, p.Val88Leu (NM_001321548.2, NM_001321550.2); short protein forms V297L, V88L.
Identifiers: ClinVar variation 3048850 (VCV003048850.3), dbSNP rs149091190, ClinGen allele CA2047563.
Genomic context (GRCh38, chr2:200,490,492, plus strand): 5'-CACTTTGAAACCGGTTTGCTGTCGCCCCAGCCGACGTCTGGATGGCACTGGCTGGAGACA[C>A]CGTGACTGAGGCCGAGTTCTTGACTTTAATTTGGGTACTTGTGGAAGGGCCCAAAAATCT-3'
Protein context (NP_689600.2, residues 287-307): IKVKNSASVT[Val297Leu]SPASAIQTSA

ClinVar aggregate classification (germline): Benign (0 of 4 stars; one submission).

Conditions:
KCTD18-related disorder. Also called: KCTD18-related condition.

Allele frequency attached by ClinVar (database versions not stated): gnomAD 0.00234; 1000 Genomes Project 30x 0.00265; ExAC 0.00073; 1000 Genomes Project 0.00280; TOPMed 0.00268; ESP Exome Variant Server 0.00231.
gnomAD v4.1: 677 of 1,611,764 alleles (0.042%); highest among the groups gnomAD compares: African/African-American, 0.78%; 2 homozygotes.

Submissions (2):

PreventionGenetics, part of Exact Sciences
Classification: Benign for KCTD18-related condition. Last evaluated: 2020-01-31. Review status: no assertion criteria provided. Collection method: clinical testing. Allele origin: germline.
Comment: This variant is classified as benign based on ACMG/AMP sequence variant interpretation guidelines (Richards et al. 2015 PMID: 25741868, with internal and published modifications).

Dr. Peter K. Rogan Lab, Western University
No classification provided (evidence only). Condition: Hepatocellular carcinoma. Review status: no classification provided. Collection method: in vitro. Allele origin: not applicable. Functional consequence: retained intron. Not counted in ClinVar's aggregate classification.